The following is an entry in ClinVar:

NM_004937.3(CTNS):c.225+3A>T

Gene: CTNS (cystinosin, lysosomal cystine transporter; plus strand). Cytogenetic location: 17p13.2.
Variant type: single nucleotide variant.
Coding change: c.225+3A>T on transcript NM_004937.3 (MANE Select); 3 bases into the intron after coding-DNA position 225, A replaced by T.
Molecular consequence: intron variant.
Genome position (GRCh38, 1-based): chr17:3,648,934, A>T. VCF-style: chr17-3648934-A-T. GRCh37 (hg19) VCF-style: chr17-3552228-A-T.
Other names: c.225+3A>T (NM_004937.2, NM_001031681.3, NM_001374492.1); c.-217+1412A>T (NM_001374493.1, NM_001374496.1); c.-216-6064A>T (NM_001374495.1); c.-217+3A>T (NM_001374494.1).
Identifiers: ClinVar variation 2681007 (VCV002681007.5), dbSNP rs2075909295, ClinGen allele CA913010123.

ClinVar aggregate classification (germline): Pathogenic/Likely pathogenic. Review status: criteria provided, multiple submitters, no conflicts (2 of 4 stars). 3 submissions from 3 submitters: Pathogenic (1); Likely pathogenic (2). Last evaluated 2025-09-10.

Conditions:
Nephropathic cystinosis (CTNS). Also called: CYSTINOSIN, DEFECT OF; LYSOSOMAL CYSTINE TRANSPORT PROTEIN, DEFECT OF; Abderhalden Lignac Kaufmann disease; Abderhalden-Kaufmann-Lignac syndrome. Identifiers: Orphanet 213, Orphanet 411629, MedGen C2931187, MONDO:0100151, OMIM 219800.
Cystinosis. Also called: Cystine diathesis; Cystine storage disease; Cystinoses. Identifiers: Orphanet 213, MedGen C4316899, MONDO:0016239.
Juvenile nephropathic cystinosis. Also called: Intermediate Cystinosis; CYSTINOSIS, LATE-ONSET JUVENILE OR ADOLESCENT NEPHROPATHIC TYPE; Later-Onset (Juvenile) Cystinosis. Identifiers: Orphanet 213, Orphanet 411634, MedGen C0268626, MONDO:0009066, OMIM 219900.
Inborn genetic diseases. Identifiers: MedGen C0950123, MeSH D030342.
Ocular cystinosis. Also called: Non-Nephropathic Cystinosis; Non-Nephropathic (Ocular) Cystinosis. Identifiers: Orphanet 213, Orphanet 411641, MedGen C2931013, MONDO:0009064, OMIM 219750.

Allele frequency attached by ClinVar (database versions not stated): gnomAD exomes below 0.00001; gnomAD 0.00001.

Submissions (3):

Natera, Inc.
Classification: Likely pathogenic for Cystinosis. Last evaluated: 2025-09-10. Review status: criteria provided, single submitter. Criteria: Natera Variant Classification Schema (03/2026). Collection method: clinical testing. Allele origin: germline.
Comment: The c.225+3A>T variant in CTNS is an intronic variant located outside the canonical splice sites. This variant is rare in the general population with a frequency below the threshold expected for the associated phenotype(s). This variant has been observed in one or more individuals affected with the associated recessive disease, as either homozygous or compound heterozygous with a second variant (PMID: 12825071, 26994576). This variant has been identified in one or more affected individual with a phenotype highly consistent with the associated gene (PMID: 12825071). Computational prediction algorithms indicate this variant is likely to affect gene or protein function. Given the available evidence, this variant is classified as Likely Pathogenic.

Labcorp Genetics (formerly Invitae), Labcorp
Classification: Likely pathogenic for Inborn genetic diseases; Ocular cystinosis; Juvenile nephropathic cystinosis. Last evaluated: 2023-12-30. Review status: criteria provided, single submitter. Criteria: Invitae Variant Classification Sherloc (09022015). Collection method: clinical testing. Allele origin: germline.
Comment: This sequence change falls in intron 5 of the CTNS gene. It does not directly change the encoded amino acid sequence of the CTNS protein. It affects a nucleotide within the consensus splice site. This variant is not present in population databases (gnomAD no frequency). This variant has been observed in individuals with classical nephropathic cystinosis (PMID: 12825071). Variants that disrupt the consensus splice site are a relatively common cause of aberrant splicing (PMID: 17576681, 9536098). Algorithms developed to predict the effect of sequence changes on RNA splicing suggest that this variant may disrupt the consensus splice site. In summary, the currently available evidence indicates that the variant is pathogenic, but additional data are needed to prove that conclusively. Therefore, this variant has been classified as Likely Pathogenic.

Baylor Genetics
Classification: Pathogenic for Nephropathic cystinosis. Last evaluated: 2023-10-25. Review status: criteria provided, single submitter. Criteria: ACMG Guidelines, 2015. Collection method: clinical testing. Allele origin: unknown.

Literature cited by the submitters: PubMed 12825071 (cited by Natera, Inc. and Labcorp Genetics (formerly Invitae), Labcorp); PubMed 26994576 (cited by Natera, Inc.); PubMed 17576681 (cited by Labcorp Genetics (formerly Invitae), Labcorp); PubMed 9536098 (cited by Labcorp Genetics (formerly Invitae), Labcorp).